The following is an entry in ClinVar:

ClinVar aggregate classification (germline): Pathogenic (1 of 4 stars; one submission).

Conditions:
XPO1-associated Neurodevelopmental Disorder.

Submission:

Genome Diagnostics Laboratory, University Medical Center Utrecht
Classification: Pathogenic for XPO1-associated Neurodevelopmental Disorder. Last evaluated: 2025-07-21. Review status: criteria provided, single submitter. Criteria: ACMG Guidelines, 2015. Collection method: research. Allele origin: germline. Affected: yes.
Comment: ACMG/AMP (Richards et al, 2015): PVS1, PS2, PM2

NM_003400.4(XPO1):c.2293C>T (p.Arg765Ter)

Gene: XPO1 (exportin 1; minus strand). Cytogenetic location: 2p15.
Variant type: single nucleotide variant.
Coding change: c.2293C>T on transcript NM_003400.4 (MANE Select); coding-DNA position 2293, C replaced by T.
Protein change: p.Arg765Ter; replaces arginine 765 with a stop codon.
Molecular consequence: nonsense.
Genome position (GRCh38, 1-based): chr2:61,488,185, G>A on the plus strand (C>T on the coding strand, the complement: XPO1 is on the minus strand). VCF-style: chr2-61488185-G-A. GRCh37 (hg19) VCF-style: chr2-61715320-G-A.
Other names: c.2158C>T, p.Arg720Ter (NM_001410799.1); short protein forms R720*, R765*.
Identifiers: ClinVar variation 4073413 (VCV004073413.1).
Genomic context (GRCh38, chr2:61,488,185, plus strand): 5'-ATCAACACTAGAAATCAAAAGCAAAGCATCTCTCACTTACCATCTGTGGATCATTGGATC[G>A]GCTCACCCAACCAGATATTAACTTTAAAGTTTCCCTTTTTACAGTTCGCATACTTCTAAT-3'